The following is an entry in ClinVar:

NM_138927.4(SON):c.2304T>C (p.Thr768=)

Gene: SON (SON DNA and RNA binding protein; plus strand). Cytogenetic location: 21q22.11.
Variant type: single nucleotide variant.
Coding change: c.2304T>C on transcript NM_138927.4 (MANE Select); coding-DNA position 2304, T replaced by C.
Protein change: p.Thr768=; no amino-acid change (threonine 768 retained).
Molecular consequence: synonymous variant. On other transcripts: non-coding transcript variant (1), intron variant (1).
Genome position (GRCh38, 1-based): chr21:33,551,535, T>C. VCF-style: chr21-33551535-T-C. GRCh37 (hg19) VCF-style: chr21-34923841-T-C.
Other names: c.2304T>C, p.Thr768= (NM_001291411.2, NM_032195.3); c.244+5156T>C (NM_001291412.3).
Identifiers: ClinVar variation 4821282 (VCV004821282.4).

ClinVar aggregate classification (germline): Likely benign (1 of 4 stars; one submission).

Submission:

CeGaT Center for Human Genetics Tuebingen
Classification: Likely benign. Last evaluated: 2026-03-01. Review status: criteria provided, single submitter. Criteria: CeGaT Center For Human Genetics Tuebingen Variant Classification Criteria Version 2. Collection method: clinical testing. Allele origin: germline. Affected: yes. Observed: 1 variant allele.
Comment: SON: PM2:Supporting, BP4, BP7